The following is an entry in ClinVar:

ClinVar aggregate classification (germline): Uncertain significance (1 of 4 stars; one submission).

Submission:

GeneDx
Classification: Uncertain significance. Last evaluated: 2022-09-16. Review status: criteria provided, single submitter. Criteria: GeneDx Variant Classification Process June 2021. Collection method: clinical testing. Allele origin: germline. Affected: yes.
Comment: Not observed at significant frequency in large population cohorts (gnomAD); In silico analysis supports that this variant does not alter splicing; Has not been previously published as pathogenic or benign to our knowledge

NM_001252024.2(TRPM1):c.1572+3G>C

Gene: TRPM1 (transient receptor potential cation channel subfamily M member 1; minus strand). Cytogenetic location: 15q13.3.
Variant type: single nucleotide variant.
Coding change: c.1572+3G>C on transcript NM_001252024.2 (MANE Select); 3 bases into the intron after coding-DNA position 1572, G replaced by C.
Molecular consequence: intron variant.
Genome position (GRCh38, 1-based): chr15:31,049,372, C>G on the plus strand (G>C on the coding strand, the complement: TRPM1 is on the minus strand). VCF-style: chr15-31049372-C-G. GRCh37 (hg19) VCF-style: chr15-31341575-C-G.
Other names: c.1623+3G>C (NM_001252020.2); c.1506+3G>C (NM_002420.6).
Identifiers: ClinVar variation 2444790 (VCV002444790.1), dbSNP rs2033873360, ClinGen allele CA2580089199.
Genomic context (GRCh38, chr15:31,049,372, plus strand): 5'-ACCAGTGACAAACACATTTAGGTGGCTGCCTCCCGCTTCCTTCCCTTTTTCTAGAGCACT[C>G]ACTGTGTTATAAAGCTCCTCCAGCCTCGGAATGGTCAGAAAGTGTTGCATGTTCACTCCG-3'